The following is an entry in ClinVar:

NM_001385875.1(ZFYVE27):c.*1310T>C

Gene: ZFYVE27 (zinc finger FYVE-type containing 27; plus strand). Cytogenetic location: 10q24.2.
Variant type: single nucleotide variant.
Coding change: c.*1310T>C on transcript NM_001385875.1 (MANE Select); 1310 bases downstream of the stop codon, T replaced by C.
Molecular consequence: 3 prime UTR variant. On other transcripts: non-coding transcript variant (17).
Genome position (GRCh38, 1-based): chr10:97,760,610, T>C. VCF-style: chr10-97760610-T-C. GRCh37 (hg19) VCF-style: chr10-99520367-T-C.
Other names: c.*1310T>C (NM_001002261.4, NM_001002262.4, NM_001174119.2 and 39 more transcripts).
Identifiers: ClinVar variation 301861 (VCV000301861.5), dbSNP rs147739377, ClinGen allele CA10637081.

ClinVar aggregate classification (germline): Benign (1 of 4 stars; one submission).

Conditions:
Hereditary spastic paraplegia 33. Also called: SPASTIC PARAPLEGIA 33, AUTOSOMAL DOMINANT. Identifiers: MedGen C1853251, MONDO:0012448, OMIM 610244.

Allele frequency attached by ClinVar (database versions not stated): 1000 Genomes Project 0.00479; gnomAD 0.00502 and 0.00539; 1000 Genomes Project 30x 0.00515; TOPMed 0.00539.

Submission:

Illumina Laboratory Services, Illumina
Classification: Benign for Hereditary spastic paraplegia 33. Last evaluated: 2018-01-13. Review status: criteria provided, single submitter. Criteria: ICSL Variant Classification Criteria 13 December 2019. Collection method: clinical testing. Allele origin: germline.
Comment: This variant was observed in the ICSL laboratory as part of a predisposition screen in an ostensibly healthy population. It had not been previously curated by ICSL or reported in the Human Gene Mutation Database (HGMD: prior to June 1st, 2018), and was therefore a candidate for classification through an automated scoring system. Utilizing variant allele frequency, disease prevalence and penetrance estimates, and inheritance mode, an automated score was calculated to assess if this variant is too frequent to cause the disease. Based on the score and internal cut-off values, a variant classified as benign is not then subjected to further curation. The score for this variant resulted in a classification of benign for this disease.